The following is an entry in ClinVar:

NM_001128159.3(VPS53):c.1945G>A (p.Val649Ile)

Gene: VPS53 (VPS53 subunit of GARP complex; minus strand). Cytogenetic location: 17p13.3.
Variant type: single nucleotide variant.
Coding change: c.1945G>A on transcript NM_001128159.3 (MANE Select); coding-DNA position 1945, G replaced by A.
Protein change: p.Val649Ile; replaces valine 649 with isoleucine.
Molecular consequence: missense variant.
Genome position (GRCh38, 1-based): chr17:537,098, C>T on the plus strand (G>A on the coding strand, the complement: VPS53 is on the minus strand). VCF-style: chr17-537098-C-T. GRCh37 (hg19) VCF-style: chr17-440338-C-T.
Other names: c.1945G>A, p.Val649Ile (NM_001366253.2); c.1351G>A, p.Val451Ile (NM_001366254.2); c.1858G>A, p.Val620Ile (NM_018289.4); short protein forms V451I, V620I, V649I.
Identifiers: ClinVar variation 2229284 (VCV002229284.2), dbSNP rs776271570, ClinGen allele CA8261238.
Genomic context (GRCh38, chr17:537,098, plus strand): 5'-TAACGCAGAACTGAGTGAAGTACTTGCGTGTGGAAGCCAGGTTGTCACGGATGATGGGGA[C>T]GTTCTGCTTGATGTGCAGAATGACAGAGGTGACGTAGGGGCTCTGGTCACCAACGTGCTC-3'
Protein context (NP_001121631.1, residues 639-659): TSVILHIKQN[Val649Ile]PIIRDNLAST

ClinVar aggregate classification (germline): Uncertain significance (1 of 4 stars; one submission).

Conditions:
Inborn genetic diseases. Identifiers: MedGen C0950123, MeSH D030342.

Allele frequency attached by ClinVar (database versions not stated): gnomAD 0.00001; gnomAD exomes 0.00001; TOPMed 0.00001; ExAC 0.00002.
gnomAD v4.1: 20 of 1,614,014 alleles (0.0012%); highest among the groups gnomAD compares: Admixed American, 0.0083%; no homozygotes.

Submission:

Ambry Genetics
Classification: Uncertain significance for Inborn genetic diseases. Last evaluated: 2021-03-30. Review status: criteria provided, single submitter. Criteria: Ambry Variant Classification Scheme 2023. Collection method: clinical testing. Allele origin: germline.
Comment: The c.1945G>A (p.V649I) alteration is located in exon 18 (coding exon 18) of the VPS53 gene. This alteration results from a G to A substitution at nucleotide position 1945, causing the valine (V) at amino acid position 649 to be replaced by an isoleucine (I). The p.V649I alteration is predicted to be tolerated by in silico analysis. Based on insufficient or conflicting evidence, the clinical significance of this alteration remains unclear.